The following is an entry in ClinVar:

NM_006012.4(CLPP):c.306G>A (p.Gln102=)

Gene: CLPP (caseinolytic mitochondrial matrix peptidase proteolytic subunit; plus strand). Cytogenetic location: 19p13.3.
Variant type: single nucleotide variant.
Coding change: c.306G>A on transcript NM_006012.4 (MANE Select); coding-DNA position 306, G replaced by A.
Protein change: p.Gln102=; no amino-acid change (glutamine 102 retained).
Molecular consequence: synonymous variant.
Genome position (GRCh38, 1-based): chr19:6,362,481, G>A. VCF-style: chr19-6362481-G-A. GRCh37 (hg19) VCF-style: chr19-6362492-G-A.
Identifiers: ClinVar variation 227254 (VCV000227254.13), dbSNP rs375563974, ClinGen allele CA9122864.
Genomic context (GRCh38, chr19:6,362,481, plus strand): 5'-ACACCCCTGCCCTCTCCACCTGCAGATCGATGACAGCGTTGCCAGCCTTGTTATCGCACA[G>A]CTCCTCTTCCTGCAATCCGAGAGCAACAAGAAGCCCATCCACATGTACATCAACAGCCCT-3'
Protein context (NP_006003.1, residues 92-112): DDSVASLVIA[Gln102=]LLFLQSESNK

ClinVar aggregate classification (germline): Likely benign. Review status: criteria provided, multiple submitters, no conflicts (2 of 4 stars). 3 submissions from 3 submitters: Likely benign (2). 1 of the submissions does not count toward it. Last evaluated 2024-12-23.

Conditions:
CLPP-related disorder. Also called: CLPP-related condition.

Allele frequency attached by ClinVar (database versions not stated): gnomAD 0.00003; gnomAD exomes 0.00010 and 0.00008; ExAC 0.00010; ESP Exome Variant Server 0.00008; TOPMed 0.00006.
gnomAD v4.1: 123 of 1,613,912 alleles (0.0076%); highest among the groups gnomAD compares: Middle Eastern, 0.016%; no homozygotes.

Submissions (3):

Labcorp Genetics (formerly Invitae), Labcorp
Classification: Likely benign. Last evaluated: 2024-12-23. Review status: criteria provided, single submitter. Criteria: Invitae Variant Classification Sherloc (09022015). Collection method: clinical testing. Allele origin: germline.

Laboratory for Molecular Medicine, Mass General Brigham Personalized Medicine
Classification: Likely benign. Last evaluated: 2015-08-05. Review status: criteria provided, single submitter. Criteria: LMM Criteria. Collection method: clinical testing. Allele origin: germline. Observed: 1 variant allele.
Comment: p.Gln102Gln in exon 3 of CLPP: This variant is not expected to have clinical sig nificance because it does not alter an amino acid residue and is not located wit hin the splice consensus sequence. It has been identified in 11/66698 European c hromosomes by the Exome Aggregation Consortium (ExAC .org; dbSNP rs375563974).

PreventionGenetics, part of Exact Sciences
Classification: Likely benign for CLPP-related condition. Last evaluated: 2019-05-13. Review status: no assertion criteria provided. Collection method: clinical testing. Allele origin: germline. Not counted in ClinVar's aggregate classification.
Comment: This variant is classified as likely benign based on ACMG/AMP sequence variant interpretation guidelines (Richards et al. 2015 PMID: 25741868, with internal and published modifications).